The following is an entry in ClinVar:

NM_032271.3(TRAF7):c.209C>T (p.Pro70Leu)

Gene: TRAF7 (TNF receptor associated factor 7; plus strand). Cytogenetic location: 16p13.3.
Variant type: single nucleotide variant.
Coding change: c.209C>T on transcript NM_032271.3 (MANE Select); coding-DNA position 209, C replaced by T.
Protein change: p.Pro70Leu; replaces proline 70 with leucine.
Molecular consequence: missense variant.
Genome position (GRCh38, 1-based): chr16:2,168,146, C>T. VCF-style: chr16-2168146-C-T. GRCh37 (hg19) VCF-style: chr16-2218147-C-T.
Other names: c.209C>T (NM_032271.2); short protein forms P70L.
Identifiers: ClinVar variation 3390260 (VCV003390260.15).

ClinVar aggregate classification (germline): Conflicting classifications of pathogenicity. Review status: criteria provided, conflicting classifications (1 of 4 stars). 2 submissions from 2 submitters: Uncertain significance (1); Likely benign (1). Last evaluated 2024-11-01.

Conditions:
Inborn genetic diseases. Identifiers: MedGen C0950123, MeSH D030342.

gnomAD v4.1: 27 of 1,611,848 alleles (0.0017%); highest among the groups gnomAD compares: Admixed American, 0.005%; no homozygotes.

Submissions (2):

CeGaT Center for Human Genetics Tuebingen
Classification: Likely benign. Last evaluated: 2024-11-01. Review status: criteria provided, single submitter. Criteria: CeGaT Center For Human Genetics Tuebingen Variant Classification Criteria Version 2. Collection method: clinical testing. Allele origin: germline. Affected: yes. Observed: 1 variant allele.
Comment: TRAF7: BS2

Ambry Genetics
Classification: Uncertain significance for Inborn genetic diseases. Last evaluated: 2024-07-02. Review status: criteria provided, single submitter. Criteria: Ambry Variant Classification Scheme 2023. Collection method: clinical testing. Allele origin: germline.